The following is an entry in ClinVar:

ClinVar aggregate classification (germline): Uncertain significance (1 of 4 stars; one submission).

Conditions:
Hereditary spastic paraplegia 49 (HSAN9). Also called: NEUROPATHY, HEREDITARY SENSORY AND AUTONOMIC, TYPE IX, WITH DEVELOPMENTAL DELAY; Spastic paraplegia 49, autosomal recessive; TECPR2-Related Hereditary Sensory and Autonomic Neuropathy with Intellectual Disability. Identifiers: Orphanet 320385, MedGen C5190860, MONDO:0014016, OMIM 615031.

Allele frequency attached by ClinVar (database versions not stated): gnomAD exomes below 0.00001; gnomAD 0.00001; TOPMed 0.00001.
gnomAD v4.1: 5 of 1,614,106 alleles (0.00031%); highest among the groups gnomAD compares: Non-Finnish European, 0.00042%; no homozygotes.

Submission:

Labcorp Genetics (formerly Invitae), Labcorp
Classification: Uncertain significance for Hereditary spastic paraplegia 49. Last evaluated: 2022-08-23. Review status: criteria provided, single submitter. Criteria: Invitae Variant Classification Sherloc (09022015). Collection method: clinical testing. Allele origin: germline.
Comment: This sequence change replaces valine, which is neutral and non-polar, with isoleucine, which is neutral and non-polar, at codon 1237 of the TECPR2 protein (p.Val1237Ile). This variant is not present in population databases (gnomAD no frequency). This variant has not been reported in the literature in individuals affected with TECPR2-related conditions. Algorithms developed to predict the effect of missense changes on protein structure and function (SIFT, PolyPhen-2, Align-GVGD) all suggest that this variant is likely to be tolerated. In summary, the available evidence is currently insufficient to determine the role of this variant in disease. Therefore, it has been classified as a Variant of Uncertain Significance.

NM_014844.5(TECPR2):c.3709G>A (p.Val1237Ile)

Gene: TECPR2 (tectonin beta-propeller repeat containing 2; plus strand). Cytogenetic location: 14q32.31.
Variant type: single nucleotide variant.
Coding change: c.3709G>A on transcript NM_014844.5 (MANE Select); coding-DNA position 3709, G replaced by A.
Protein change: p.Val1237Ile; replaces valine 1237 with isoleucine.
Molecular consequence: missense variant.
Genome position (GRCh38, 1-based): chr14:102,465,209, G>A. VCF-style: chr14-102465209-G-A. GRCh37 (hg19) VCF-style: chr14-102931546-G-A.
Other names: c.3709G>A, p.Val1237Ile (NM_001172631.3); short protein forms V1237I.
Identifiers: ClinVar variation 2201559 (VCV002201559.1), dbSNP rs1337879105, ClinGen allele CA391069264.